The following is an entry in ClinVar:

NC_000012.12:g.2679444_2679446del

Genes: CACNA1C (calcium voltage-gated channel subunit alpha1 C; plus strand), CACNA1C-AS1 (CACNA1C antisense RNA 1; minus strand). Cytogenetic location: 12p13.33.
Variant type: Deletion.
Genome position: GRCh38 VCF-style: chr12-2679442-AGAG-A. GRCh37 (hg19) VCF-style: chr12-2788608-AGAG-A.
Identifiers: ClinVar variation 3657065 (VCV003657065.2).

ClinVar aggregate classification (germline): Uncertain significance (1 of 4 stars; one submission).

Conditions:
Long QT syndrome (LQTS). Identifiers: MedGen C0023976, MeSH D008133, MONDO:0002442. Disease mechanism: loss of function. Inheritance: Various modes of inheritance.

Submission:

Labcorp Genetics (formerly Invitae), Labcorp
Classification: Uncertain significance for Long QT syndrome. Last evaluated: 2025-06-02. Review status: criteria provided, single submitter. Criteria: Invitae Variant Classification Sherloc (09022015). Collection method: clinical testing. Allele origin: germline.
Comment: This variant, c.5092_5094del, results in the deletion of 1 amino acid(s) of the CACNA1C protein (p.Arg1698del), but otherwise preserves the integrity of the reading frame. This variant is not present in population databases (gnomAD no frequency). This variant has not been reported in the literature in individuals affected with CACNA1C-related conditions. ClinVar contains an entry for this variant (Variation ID: 3657065). Algorithms developed to predict the effect of sequence changes on RNA splicing suggest that this variant may disrupt the consensus splice site. In summary, the available evidence is currently insufficient to determine the role of this variant in disease. Therefore, it has been classified as a Variant of Uncertain Significance.